The following is an entry in ClinVar:

NM_001401501.2(MUC16):c.9608C>T (p.Thr3203Met)

Gene: MUC16 (mucin 16, cell surface associated; minus strand). Cytogenetic location: 19p13.2.
Variant type: single nucleotide variant.
Coding change: c.9608C>T on transcript NM_001401501.2 (MANE Select); coding-DNA position 9608, C replaced by T.
Protein change: p.Thr3203Met; replaces threonine 3203 with methionine.
Molecular consequence: missense variant.
Genome position (GRCh38, 1-based): chr19:8,969,867, G>A on the plus strand (C>T on the coding strand, the complement: MUC16 is on the minus strand). VCF-style: chr19-8969867-G-A. GRCh37 (hg19) VCF-style: chr19-9080543-G-A.
Other names: c.10034C>T, p.Thr3345Met (NM_001414686.1); c.9488C>T, p.Thr3163Met (NM_001414687.1, NM_024690.2); short protein forms T3163M, T3203M, T3345M.
Identifiers: ClinVar variation 781402 (VCV000781402.6), dbSNP rs114102907, ClinGen allele CA9171699.

ClinVar aggregate classification (germline): Benign. Review status: criteria provided, multiple submitters, no conflicts (2 of 4 stars). 3 submissions from 3 submitters: Benign (2). 1 of the submissions does not count toward it. Last evaluated 2018-08-14.

Conditions:
MUC16-related disorder. Also called: MUC16-related condition.

Allele frequency attached by ClinVar (database versions not stated): 1000 Genomes Project 0.02815; gnomAD exomes 0.00659 and 0.00277; TOPMed 0.02846; ExAC 0.00804; 1000 Genomes Project 30x 0.03029; gnomAD 0.02519 and 0.02678; ESP Exome Variant Server 0.02716.

Submissions (3):

Labcorp Genetics (formerly Invitae), Labcorp
Classification: Benign. Last evaluated: 2018-08-14. Review status: criteria provided, single submitter. Criteria: Invitae Variant Classification Sherloc (09022015). Collection method: clinical testing. Allele origin: germline.

Breakthrough Genomics
Classification: Benign. Review status: criteria provided, single submitter. Criteria: ACMG Guidelines, 2015. Collection method: not provided. Allele origin: germline. Inheritance: Unknown mechanism. Affected: yes.

PreventionGenetics, part of Exact Sciences
Classification: Benign for MUC16-related condition. Last evaluated: 2019-10-01. Review status: no assertion criteria provided. Collection method: clinical testing. Allele origin: germline. Not counted in ClinVar's aggregate classification.
Comment: This variant is classified as benign based on ACMG/AMP sequence variant interpretation guidelines (Richards et al. 2015 PMID: 25741868, with internal and published modifications).